The following is an entry in ClinVar:

ClinVar aggregate classification (germline): Uncertain significance (1 of 4 stars; one submission).

Conditions:
Developmental and epileptic encephalopathy, 32 (DEE32). Also called: Epileptic encephalopathy, early infantile, 32. Identifiers: Orphanet 442835, MedGen C4225350, MONDO:0014607, OMIM 616366.

Allele frequency attached by ClinVar (database versions not stated): TOPMed 0.00001.

Submission:

Labcorp Genetics (formerly Invitae), Labcorp
Classification: Uncertain significance for Developmental and epileptic encephalopathy, 32. Last evaluated: 2023-10-28. Review status: criteria provided, single submitter. Criteria: Invitae Variant Classification Sherloc (09022015). Collection method: clinical testing. Allele origin: germline.
Comment: This sequence change replaces serine, which is neutral and polar, with glycine, which is neutral and non-polar, at codon 198 of the KCNA2 protein (p.Ser198Gly). This variant is not present in population databases (gnomAD no frequency). This variant has not been reported in the literature in individuals affected with KCNA2-related conditions. ClinVar contains an entry for this variant (Variation ID: 1019596). Advanced modeling of protein sequence and biophysical properties (such as structural, functional, and spatial information, amino acid conservation, physicochemical variation, residue mobility, and thermodynamic stability) performed at Invitae indicates that this missense variant is not expected to disrupt KCNA2 protein function with a negative predictive value of 95%. In summary, the available evidence is currently insufficient to determine the role of this variant in disease. Therefore, it has been classified as a Variant of Uncertain Significance.

NM_004974.4(KCNA2):c.592A>G (p.Ser198Gly)

Gene: KCNA2 (potassium voltage-gated channel subfamily A member 2; minus strand). Cytogenetic location: 1p13.3.
Variant type: single nucleotide variant.
Coding change: c.592A>G on transcript NM_004974.4 (MANE Select); coding-DNA position 592, A replaced by G.
Protein change: p.Ser198Gly; replaces serine 198 with glycine.
Molecular consequence: missense variant.
Genome position (GRCh38, 1-based): chr1:110,604,191, T>C on the plus strand (A>G on the coding strand, the complement: KCNA2 is on the minus strand). VCF-style: chr1-110604191-T-C. GRCh37 (hg19) VCF-style: chr1-111146813-T-C.
Other names: c.592A>G, p.Ser198Gly (NM_001204269.2); short protein forms S198G.
Identifiers: ClinVar variation 1019596 (VCV001019596.7), dbSNP rs1649489553, ClinGen allele CA341603650.
Genomic context (GRCh38, chr1:110,604,191, plus strand): 5'-AGGAAGTGGACTGCTGGTACCCGATGGTGCTGTTGGAATAGGTGTGGAAGGTCACCCCAC[T>C]ACCATGCATGTCTTCATTCTCATCCCGGAAGATGGGCAATGTTTCCAGACAGAAGCTGAC-3'
Protein context (NP_004965.1, residues 188-208): FRDENEDMHG[Ser198Gly]GVTFHTYSNS